The following is an entry in ClinVar:

ClinVar aggregate classification (germline): Uncertain significance (1 of 4 stars; one submission).

Conditions:
3-methylglutaconic aciduria, type VIIB (MGCA7B). Also called: 3-methylglutaconic aciduria with cataracts, neurologic involvement and neutropenia; 3-methylglutaconic aciduria, type VII, with cataracts, neurologic involvement and neutropenia; CLPB Deficiency. Identifiers: Orphanet 445038, MedGen C5676893, MONDO:0014561, OMIM 616271.

Allele frequency attached by ClinVar (database versions not stated): gnomAD exomes below 0.00001 and 0.00001; TOPMed below 0.00001.
gnomAD v4.1: 7 of 1,581,648 alleles (0.00044%); highest among the groups gnomAD compares: Admixed American, 0.013%; no homozygotes.

Submission:

Labcorp Genetics (formerly Invitae), Labcorp
Classification: Uncertain significance for 3-methylglutaconic aciduria, type VIIB. Last evaluated: 2022-08-26. Review status: criteria provided, single submitter. Criteria: Invitae Variant Classification Sherloc (09022015). Collection method: clinical testing. Allele origin: germline.
Comment: ClinVar contains an entry for this variant (Variation ID: 1440488). In summary, the available evidence is currently insufficient to determine the role of this variant in disease. Therefore, it has been classified as a Variant of Uncertain Significance. Algorithms developed to predict the effect of missense changes on protein structure and function are either unavailable or do not agree on the potential impact of this missense change (SIFT: "Tolerated"; PolyPhen-2: "Not Available"; Align-GVGD: "Class C0"). This variant has not been reported in the literature in individuals affected with CLPB-related conditions. This variant is not present in population databases (gnomAD no frequency). This sequence change replaces proline, which is neutral and non-polar, with leucine, which is neutral and non-polar, at codon 14 of the CLPB protein (p.Pro14Leu).

NM_001258392.3(CLPB):c.41C>T (p.Pro14Leu)

Genes: CLPB (ClpB family mitochondrial disaggregase; minus strand), LOC130006336 (ATAC-STARR-seq lymphoblastoid active region 5191; plus strand). Cytogenetic location: 11q13.4.
Variant type: single nucleotide variant.
Coding change: c.41C>T on transcript NM_001258392.3 (MANE Select); coding-DNA position 41, C replaced by T.
Protein change: p.Pro14Leu; replaces proline 14 with leucine.
Molecular consequence: missense variant. On other transcripts: 5 prime UTR variant (1).
Genome position (GRCh38, 1-based): chr11:72,434,434, G>A on the plus strand (C>T on the coding strand, the complement: CLPB is on the minus strand). VCF-style: chr11-72434434-G-A. GRCh37 (hg19) VCF-style: chr11-72145478-G-A.
Other names: c.41C>T, p.Pro14Leu (NM_001258393.3, NM_030813.6); c.-202C>T (NM_001258394.3); short protein forms P14L.
Identifiers: ClinVar variation 1440488 (VCV001440488.8), dbSNP rs1194145425, ClinGen allele CA381964158.
Genomic context (GRCh38, chr11:72,434,434, plus strand): 5'-CCGGAAGCACCTCCATGGCCCCGGAGCGTTGGGGACCTGAGCAGCCGGAGGAGTAGCCGT[G>A]GCGCCAGTGCTTTTCTCCTCAACACCAGGGACCCCAGCATCTTGACAGCTGCTTCGATAA-3'
Protein context (NP_001245321.1, residues 4-24): SLVLRRKALA[Pro14Leu]RLLLRLLRSP